The following is an entry in ClinVar:

ClinVar aggregate classification (germline): Benign (1 of 4 stars; one submission).

Allele frequency attached by ClinVar (database versions not stated): 1000 Genomes Project 0.75859; TOPMed 0.79454; gnomAD 0.79628 and 0.80329.
gnomAD v4.1: 121,196 of 152,168 alleles (80%); highest among the groups gnomAD compares: Non-Finnish European, 81%; 48,341 homozygotes.

Submission:

GeneDx
Classification: Benign. Last evaluated: 2018-06-14. Review status: criteria provided, single submitter. Criteria: GeneDx Variant Classification (06012015). Collection method: clinical testing. Allele origin: germline. Affected: yes.
Comment: This variant is considered likely benign or benign based on one or more of the following criteria: it is a conservative change, it occurs at a poorly conserved position in the protein, it is predicted to be benign by multiple in silico algorithms, and/or has population frequency not consistent with disease.

NM_003640.5(ELP1):c.3700+236G>A

Gene: ELP1 (elongator acetyltransferase complex subunit 1; minus strand). Cytogenetic location: 9q31.3.
Variant type: single nucleotide variant.
Coding change: c.3700+236G>A on transcript NM_003640.5 (MANE Select); 236 bases into the intron after coding-DNA position 3700, G replaced by A.
Molecular consequence: intron variant.
Genome position (GRCh38, 1-based): chr9:108,878,387, C>T on the plus strand (G>A on the coding strand, the complement: ELP1 is on the minus strand). VCF-style: chr9-108878387-C-T. GRCh37 (hg19) VCF-style: chr9-111640667-C-T.
Other names: c.3358+236G>A (NM_001318360.2); c.2653+236G>A (NM_001330749.2).
Identifiers: ClinVar variation 681892 (VCV000681892.1), dbSNP rs10435835, ClinGen allele CA13017817.